The following is an entry in ClinVar:

NM_000038.6(APC):c.5995C>G (p.Pro1999Ala)

Gene: APC (APC regulator of Wnt signaling pathway; plus strand). Cytogenetic location: 5q22.2.
Variant type: single nucleotide variant.
Coding change: c.5995C>G on transcript NM_000038.6 (MANE Select); coding-DNA position 5995, C replaced by G.
Protein change: p.Pro1999Ala; replaces proline 1999 with alanine.
Molecular consequence: missense variant.
Genome position (GRCh38, 1-based): chr5:112,841,589, C>G. VCF-style: chr5-112841589-C-G. GRCh37 (hg19) VCF-style: chr5-112177286-C-G.
Other names: c.5995C>G, p.Pro1999Ala (NM_001127510.3, NM_001354895.2); c.5941C>G, p.Pro1981Ala (NM_001127511.3); c.6049C>G, p.Pro2017Ala (NM_001354896.2); c.6025C>G, p.Pro2009Ala (NM_001354897.2); c.5920C>G, p.Pro1974Ala (NM_001354898.2); c.5911C>G, p.Pro1971Ala (NM_001354899.2); c.5872C>G, p.Pro1958Ala (NM_001354900.2); c.5818C>G, p.Pro1940Ala (NM_001354901.2); and 5 more; short protein forms P1981A, P1999A, P1958A, P1971A, P1839A, P1898A, P1908A, P2017A.
Identifiers: ClinVar variation 470029 (VCV000470029.12), dbSNP rs1554087136, ClinGen allele CA16034454.

ClinVar aggregate classification (germline): Uncertain significance. Review status: criteria provided, multiple submitters, no conflicts (2 of 4 stars). 2 submissions from 2 submitters: Uncertain significance (2). Last evaluated 2025-06-03.

Conditions:
Familial adenomatous polyposis 1 (FAP1). Also called: POLYPOSIS, ADENOMATOUS INTESTINAL; FAMILIAL ADENOMATOUS POLYPOSIS 1, ATTENUATED. Identifiers: MedGen C2713442, MONDO:0021056, OMIM 175100. Disease mechanism: loss of function.
Hereditary cancer-predisposing syndrome. Also called: Hereditary neoplastic syndrome; Neoplastic Syndromes, Hereditary; Tumor predisposition; Hereditary Cancer Syndrome. Identifiers: Orphanet 140162, MedGen C0027672, MeSH D009386, MONDO:0015356.

Submissions (2):

Labcorp Genetics (formerly Invitae), Labcorp
Classification: Uncertain significance for Familial adenomatous polyposis 1. Last evaluated: 2025-06-03. Review status: criteria provided, single submitter. Criteria: Invitae Variant Classification Sherloc (09022015). Collection method: clinical testing. Allele origin: germline.
Comment: This sequence change replaces proline, which is neutral and non-polar, with alanine, which is neutral and non-polar, at codon 1999 of the APC protein (p.Pro1999Ala). This variant is not present in population databases (gnomAD no frequency). This variant has not been reported in the literature in individuals affected with APC-related conditions. ClinVar contains an entry for this variant (Variation ID: 470029). Invitae Evidence Modeling of protein sequence and biophysical properties (such as structural, functional, and spatial information, amino acid conservation, physicochemical variation, residue mobility, and thermodynamic stability) indicates that this missense variant is not expected to disrupt APC protein function with a negative predictive value of 95%. In summary, the available evidence is currently insufficient to determine the role of this variant in disease. Therefore, it has been classified as a Variant of Uncertain Significance.

Ambry Genetics
Classification: Uncertain significance for Hereditary cancer-predisposing syndrome. Last evaluated: 2022-07-12. Review status: criteria provided, single submitter. Criteria: Ambry Variant Classification Scheme 2023. Collection method: clinical testing. Allele origin: germline.
Comment: The p.P1999A variant (also known as c.5995C>G), located in coding exon 15 of the APC gene, results from a C to G substitution at nucleotide position 5995. The proline at codon 1999 is replaced by alanine, an amino acid with highly similar properties. This alteration was identified in an individual diagnosed with colorectal cancer (Abdul Murad NA et al. Dig Dis Sci, 2012 Nov;57:2863-72). This amino acid position is not well conserved in available vertebrate species. In addition, in silico predictors for this gene do not accurately predict pathogenicity. Since supporting evidence is limited at this time, the clinical significance of this alteration remains unclear.

Literature cited by the submitters: PubMed 22669205 (cited by Ambry Genetics).